The following is an entry in ClinVar:

ClinVar aggregate classification (germline): Uncertain significance (1 of 4 stars; one submission).

Submission:

Mayo Clinic Laboratories, Mayo Clinic
Classification: Uncertain significance. Last evaluated: 2024-02-16. Review status: criteria provided, single submitter. Criteria: ACMG Guidelines, 2015. Collection method: clinical testing. Allele origin: germline. Observed: 1 variant allele.
Comment: PM2

NM_021830.5(TWNK):c.568C>A (p.Leu190Ile)

Gene: TWNK (twinkle mtDNA helicase; plus strand). Cytogenetic location: 10q24.31.
Variant type: single nucleotide variant.
Coding change: c.568C>A on transcript NM_021830.5 (MANE Select); coding-DNA position 568, C replaced by A.
Protein change: p.Leu190Ile; replaces leucine 190 with isoleucine.
Molecular consequence: missense variant. On other transcripts: non-coding transcript variant (4), intron variant (3).
Genome position (GRCh38, 1-based): chr10:100,988,778, C>A. VCF-style: chr10-100988778-C-A. GRCh37 (hg19) VCF-style: chr10-102748535-C-A.
Other names: p.Leu190Ile; c.568C>A, p.Leu190Ile (NM_001163812.2); c.-119-866C>A (NM_001163814.2, NM_001163813.2); c.-57-928C>A (NM_001368275.1); short protein forms L190I.
Identifiers: ClinVar variation 3379986 (VCV003379986.1).